The following is an entry in ClinVar:

NM_017433.5(MYO3A):c.848A>C (p.Gln283Pro)

Gene: MYO3A (myosin IIIA; plus strand). Cytogenetic location: 10p12.1.
Variant type: single nucleotide variant.
Coding change: c.848A>C on transcript NM_017433.5 (MANE Select); coding-DNA position 848, A replaced by C.
Protein change: p.Gln283Pro; replaces glutamine 283 with proline.
Molecular consequence: missense variant.
Genome position (GRCh38, 1-based): chr10:26,026,427, A>C. VCF-style: chr10-26026427-A-C. GRCh37 (hg19) VCF-style: chr10-26315356-A-C.
Other names: short protein forms Q283P.
Identifiers: ClinVar variation 225417 (VCV000225417.3), dbSNP rs199541460, ClinGen allele CA5444469.

ClinVar aggregate classification (germline): Uncertain significance. Review status: criteria provided, multiple submitters, no conflicts (2 of 4 stars). 2 submissions from 2 submitters: Uncertain significance (2). Last evaluated 2024-07-04.

Conditions:
Autosomal recessive nonsyndromic hearing loss 30. Identifiers: Orphanet 90636, MedGen C1846784, MONDO:0011774, OMIM 607101.

Allele frequency attached by ClinVar (database versions not stated): gnomAD exomes 0.00005; ExAC 0.00007; 1000 Genomes Project 30x 0.00016; 1000 Genomes Project 0.00020.
gnomAD v4.1: 81 of 1,614,178 alleles (0.005%); highest among the groups gnomAD compares: East Asian, 0.18%; no homozygotes.

Submissions (2):

Labcorp Genetics (formerly Invitae), Labcorp
Classification: Uncertain significance. Last evaluated: 2024-07-04. Review status: criteria provided, single submitter. Criteria: Invitae Variant Classification Sherloc (09022015). Collection method: clinical testing. Allele origin: germline.
Comment: This sequence change replaces glutamine, which is neutral and polar, with proline, which is neutral and non-polar, at codon 283 of the MYO3A protein (p.Gln283Pro). This variant is present in population databases (rs199541460, gnomAD 0.07%). This missense change has been observed in individual(s) with deafness (PMID: 23967202). ClinVar contains an entry for this variant (Variation ID: 225417). An algorithm developed to predict the effect of missense changes on protein structure and function (PolyPhen-2) suggests that this variant is likely to be disruptive. In summary, the available evidence is currently insufficient to determine the role of this variant in disease. Therefore, it has been classified as a Variant of Uncertain Significance.

Soonchunhyang University Bucheon Hospital, Soonchunhyang University Medical Center
Classification: Uncertain significance for Autosomal recessive nonsyndromic hearing loss 30. Last evaluated: 2016-03-18. Review status: criteria provided, single submitter. Criteria: ACMG Guidelines, 2015. Collection method: reference population. Allele origin: germline. Observed: 1 variant allele.

Literature cited by the submitters: PubMed 23967202 (cited by Labcorp Genetics (formerly Invitae), Labcorp and Soonchunhyang University Bucheon Hospital, Soonchunhyang University Medical Center).